The following is an entry in ClinVar:

NM_001371986.1(UNC80):c.501T>A (p.Asn167Lys)

Gene: UNC80 (unc-80 subunit of NALCN channel complex; plus strand). Cytogenetic location: 2q34.
Variant type: single nucleotide variant.
Coding change: c.501T>A on transcript NM_001371986.1 (MANE Select); coding-DNA position 501, T replaced by A.
Protein change: p.Asn167Lys; replaces asparagine 167 with lysine.
Molecular consequence: missense variant.
Genome position (GRCh38, 1-based): chr2:209,777,460, T>A. VCF-style: chr2-209777460-T-A. GRCh37 (hg19) VCF-style: chr2-210642184-T-A.
Other names: c.501T>A, p.Asn167Lys (NM_032504.2, NM_182587.4); short protein forms N167K.
Identifiers: ClinVar variation 2015224 (VCV002015224.4), dbSNP rs770850965, ClinGen allele CA2082752.

ClinVar aggregate classification (germline): Uncertain significance (1 of 4 stars; one submission).

gnomAD v4.1: 15 of 1,614,074 alleles (0.00093%); highest among the groups gnomAD compares: South Asian, 0.014%; 1 homozygote.

Submission:

Labcorp Genetics (formerly Invitae), Labcorp
Classification: Uncertain significance. Last evaluated: 2023-12-07. Review status: criteria provided, single submitter. Criteria: Invitae Variant Classification Sherloc (09022015). Collection method: clinical testing. Allele origin: germline.
Comment: This sequence change replaces asparagine, which is neutral and polar, with lysine, which is basic and polar, at codon 167 of the UNC80 protein (p.Asn167Lys). This variant is present in population databases (rs770850965, gnomAD 0.02%), including at least one homozygous and/or hemizygous individual. This variant has not been reported in the literature in individuals affected with UNC80-related conditions. ClinVar contains an entry for this variant (Variation ID: 2015224). An algorithm developed to predict the effect of missense changes on protein structure and function (PolyPhen-2) suggests that this variant is likely to be tolerated. In summary, the available evidence is currently insufficient to determine the role of this variant in disease. Therefore, it has been classified as a Variant of Uncertain Significance.